The following is an entry in ClinVar:

ClinVar aggregate classification (germline): Uncertain significance (1 of 4 stars; one submission).

Conditions:
Facioscapulohumeral muscular dystrophy 2 (FSHD2). Also called: FSHD2, DIGENIC; MUSCULAR DYSTROPHY, FACIOSCAPULOHUMERAL, TYPE 1B; FACIOSCAPULOHUMERAL MUSCULAR DYSTROPHY 2, DIGENIC. Identifiers: Orphanet 269, MedGen C1834671, MONDO:0008031, OMIM 158901.

Allele frequency attached by ClinVar (database versions not stated): gnomAD exomes below 0.00001 and 0.00001; ExAC 0.00001; TOPMed 0.00002; gnomAD 0.00005.
gnomAD v4.1: 10 of 1,609,800 alleles (0.00062%); highest among the groups gnomAD compares: Admixed American, 0.017%; no homozygotes.

Submission:

Labcorp Genetics (formerly Invitae), Labcorp
Classification: Uncertain significance for Facioscapulohumeral muscular dystrophy 2. Last evaluated: 2024-03-21. Review status: criteria provided, single submitter. Criteria: Invitae Variant Classification Sherloc (09022015). Collection method: clinical testing. Allele origin: germline.
Comment: This sequence change replaces isoleucine, which is neutral and non-polar, with methionine, which is neutral and non-polar, at codon 311 of the SMCHD1 protein (p.Ile311Met). This variant is present in population databases (rs778214060, gnomAD 0.003%). This variant has not been reported in the literature in individuals affected with SMCHD1-related conditions. ClinVar contains an entry for this variant (Variation ID: 1383721). Advanced modeling of protein sequence and biophysical properties (such as structural, functional, and spatial information, amino acid conservation, physicochemical variation, residue mobility, and thermodynamic stability) performed at Invitae indicates that this missense variant is not expected to disrupt SMCHD1 protein function with a negative predictive value of 80%. In summary, the available evidence is currently insufficient to determine the role of this variant in disease. Therefore, it has been classified as a Variant of Uncertain Significance.

NM_015295.3(SMCHD1):c.933A>G (p.Ile311Met)

Gene: SMCHD1 (structural maintenance of chromosomes flexible hinge domain containing 1; plus strand). Cytogenetic location: 18p11.32.
Variant type: single nucleotide variant.
Coding change: c.933A>G on transcript NM_015295.3 (MANE Select); coding-DNA position 933, A replaced by G.
Protein change: p.Ile311Met; replaces isoleucine 311 with methionine.
Molecular consequence: missense variant.
Genome position (GRCh38, 1-based): chr18:2,694,586, A>G. VCF-style: chr18-2694586-A-G. GRCh37 (hg19) VCF-style: chr18-2694584-A-G.
Other names: short protein forms I311M.
Identifiers: ClinVar variation 1383721 (VCV001383721.8), dbSNP rs778214060, ClinGen allele CA8870663.